The following is an entry in ClinVar:

NM_015971.4(MRPS7):c.5C>T (p.Ala2Val)

Genes: GGA3 (golgi associated, gamma adaptin ear containing, ARF binding protein 3; minus strand), MRPS7 (mitochondrial ribosomal protein S7; plus strand). Cytogenetic location: 17q25.1.
Variant type: single nucleotide variant.
Coding change: c.5C>T on transcript NM_015971.4 (MANE Select); coding-DNA position 5, C replaced by T.
Protein change: p.Ala2Val; replaces alanine 2 with valine.
Molecular consequence: missense variant. On other transcripts: intron variant (2).
Genome position (GRCh38, 1-based): chr17:75,261,905, C>T. VCF-style: chr17-75261905-C-T. GRCh37 (hg19) VCF-style: chr17-73257986-C-T.
Other names: p.Ala2Val; c.-228+377G>A (NM_001172704.3); c.-177+377G>A (NM_001172703.3); short protein forms A2V.
Identifiers: ClinVar variation 379995 (VCV000379995.13), dbSNP rs8075276, ClinGen allele CA8760156.

ClinVar aggregate classification (germline): Benign. Review status: criteria provided, multiple submitters, no conflicts (2 of 4 stars). 5 submissions from 5 submitters: Benign (5). Last evaluated 2026-02-03.

Conditions:
Combined oxidative phosphorylation deficiency 34 (COXPD34). Also called: Syndromic sensorineural deafness due to combined oxidative phosphorylation defect. Identifiers: Orphanet 457223, MedGen C4693450, MONDO:0054741, OMIM 617872.

Allele frequency attached by ClinVar (database versions not stated): ESP Exome Variant Server 0.65995; gnomAD 0.67348 and 0.68369; gnomAD exomes 0.81721 and 0.79746; 1000 Genomes Project 0.65735; ExAC 0.79585; TOPMed 0.66115.
gnomAD v4.1: 1,292,169 of 1,608,006 alleles (80%); highest among the groups gnomAD compares: East Asian, 88%; 529,496 homozygotes.

Submissions (5):

Labcorp Genetics (formerly Invitae), Labcorp
Classification: Benign. Last evaluated: 2026-02-03. Review status: criteria provided, single submitter. Criteria: Invitae Variant Classification Sherloc (09022015). Collection method: clinical testing. Allele origin: germline.

Mayo Clinic Laboratories, Mayo Clinic
Classification: Benign. Last evaluated: 2022-10-27. Review status: criteria provided, single submitter. Criteria: ACMG Guidelines, 2015. Collection method: clinical testing. Allele origin: germline. Observed: 228 variant alleles.

Genome-Nilou Lab
Classification: Benign for Combined oxidative phosphorylation deficiency 34. Last evaluated: 2021-09-05. Review status: criteria provided, single submitter. Criteria: ACMG Guidelines, 2015. Collection method: clinical testing. Allele origin: germline. Affected: no.

GeneDx
Classification: Benign. Last evaluated: 2015-12-02. Review status: criteria provided, single submitter. Criteria: GeneDx Variant Classification (06012015). Collection method: clinical testing. Allele origin: germline. Affected: yes.
Comment: This variant is considered likely benign or benign based on one or more of the following criteria: it is a conservative change, it occurs at a poorly conserved position in the protein, it is predicted to be benign by multiple in silico algorithms, and/or has population frequency not consistent with disease.

Breakthrough Genomics
Classification: Benign. Review status: criteria provided, single submitter. Criteria: ACMG Guidelines, 2015. Collection method: not provided. Allele origin: germline. Inheritance: Autosomal recessive inheritance. Affected: yes.